The following is an entry in ClinVar:

ClinVar aggregate classification (germline): Pathogenic (1 of 4 stars; one submission).

Conditions:
Hereditary nonpolyposis colorectal neoplasms. Identifiers: MedGen C0009405, MeSH D003123.

Submission:

Labcorp Genetics (formerly Invitae), Labcorp
Classification: Pathogenic for Hereditary nonpolyposis colorectal neoplasms. Last evaluated: 2023-08-04. Review status: criteria provided, single submitter. Criteria: Invitae Variant Classification Sherloc (09022015). Collection method: clinical testing. Allele origin: germline.
Comment: This sequence change creates a premature translational stop signal (p.Leu1018Thrfs*5) in the MSH6 gene. It is expected to result in an absent or disrupted protein product. Loss-of-function variants in MSH6 are known to be pathogenic (PMID: 18269114, 24362816). For these reasons, this variant has been classified as Pathogenic. ClinVar contains an entry for this variant (Variation ID: 2092995). This variant has not been reported in the literature in individuals affected with MSH6-related conditions. This variant is not present in population databases (gnomAD no frequency).

Literature cited by the submitters: PubMed 18269114; PubMed 24362816.

NM_000179.3(MSH6):c.3051_3052insA (p.Leu1018fs)

Gene: MSH6 (mutS homolog 6; plus strand). Cytogenetic location: 2p16.3.
Variant type: Insertion.
Coding change: c.3051_3052insA on transcript NM_000179.3 (MANE Select); coding-DNA positions 3051 to 3052, A inserted.
Protein change: p.Leu1018fs; shifts the reading frame from leucine 1018.
Molecular consequence: frameshift variant.
Genome position: GRCh38 VCF-style: chr2-47801034-T-TA. GRCh37 (hg19) VCF-style: chr2-48028173-T-TA.
Other names: c.2661_2662insA, p.Leu888fs (NM_001281492.2); c.2145_2146insA, p.Leu716fs (NM_001281493.2, NM_001281494.2); c.3147_3148insA, p.Leu1050Thrfs (NM_001406795.1, NM_001406802.1); c.3051_3052insA, p.Leu1018Thrfs (NM_001406796.1, NM_001406798.1, NM_001406800.1 and 2 more transcripts); c.2754_2755insA, p.Leu919Thrfs (NM_001406797.1, NM_001406801.1, NM_001406805.1 and 10 more transcripts); c.2526_2527insA, p.Leu843Thrfs (NM_001406799.1, NM_001406806.1, NM_001406807.1); c.2973_2974insA, p.Leu992Thrfs (NM_001406804.1); c.2145_2146insA, p.Leu716Thrfs (NM_001406811.1, NM_001406812.1, NM_001406814.1 and 4 more transcripts); and 3 more; short protein forms L1018fs, L888fs, L716fs.
Identifiers: ClinVar variation 2092995 (VCV002092995.4), dbSNP rs2530710170, ClinGen allele CA2580068126.
Genomic context (GRCh38, chr2:47,801,034, plus strand): 5'-ATCTACCAAGAAGGGCTGTAAACGATACTGGACCAAAACTATTGAAAAGAAGTTGGCTAA[T>TA]CTCATAAATGCTGAAGAACGGAGGGATGTATCATTGAAGGACTGCATGCGGCGACTGTTC-3'